The following is an entry in ClinVar:

NM_000264.5(PTCH1):c.4075A>T (p.Ser1359Cys)

Gene: PTCH1 (patched 1; minus strand). Cytogenetic location: 9q22.32.
Variant type: single nucleotide variant.
Coding change: c.4075A>T on transcript NM_000264.5 (MANE Select); coding-DNA position 4075, A replaced by T.
Protein change: p.Ser1359Cys; replaces serine 1359 with cysteine.
Molecular consequence: missense variant. On other transcripts: non-coding transcript variant (1).
Genome position (GRCh38, 1-based): chr9:95,447,181, T>A on the plus strand (A>T on the coding strand, the complement: PTCH1 is on the minus strand). VCF-style: chr9-95447181-T-A. GRCh37 (hg19) VCF-style: chr9-98209463-T-A.
Other names: c.3877A>T, p.Ser1293Cys (NM_001083602.3); c.4072A>T, p.Ser1358Cys (NM_001083603.3); c.3622A>T, p.Ser1208Cys (NM_001083604.3, NM_001083605.3, NM_001083606.3 and 1 more transcripts); c.3919A>T, p.Ser1307Cys (NM_001354918.2); short protein forms S1293C, S1359C, S1307C, S1208C, S1358C.
Identifiers: ClinVar variation 3695518 (VCV003695518.2).

ClinVar aggregate classification (germline): Uncertain significance (1 of 4 stars; one submission).

Conditions:
Gorlin syndrome. Also called: Basal cell nevus syndrome; Nevoid Basal Cell Carcinoma Syndrome. Identifiers: Orphanet 377, MedGen C0004779, MONDO:0007187.

Submission:

Labcorp Genetics (formerly Invitae), Labcorp
Classification: Uncertain significance for Gorlin syndrome. Last evaluated: 2024-04-09. Review status: criteria provided, single submitter. Criteria: Invitae Variant Classification Sherloc (09022015). Collection method: clinical testing. Allele origin: germline.
Comment: This sequence change replaces serine, which is neutral and polar, with cysteine, which is neutral and slightly polar, at codon 1359 of the PTCH1 protein (p.Ser1359Cys). This variant is not present in population databases (gnomAD no frequency). This variant has not been reported in the literature in individuals affected with PTCH1-related conditions. Advanced modeling of protein sequence and biophysical properties (such as structural, functional, and spatial information, amino acid conservation, physicochemical variation, residue mobility, and thermodynamic stability) performed at Invitae indicates that this missense variant is not expected to disrupt PTCH1 protein function with a negative predictive value of 95%. In summary, the available evidence is currently insufficient to determine the role of this variant in disease. Therefore, it has been classified as a Variant of Uncertain Significance.